The following is an entry in ClinVar:

NM_006059.4(LAMC3):c.1272G>T (p.Glu424Asp)

Gene: LAMC3 (laminin subunit gamma 3; plus strand). Cytogenetic location: 9q34.12.
Variant type: single nucleotide variant.
Coding change: c.1272G>T on transcript NM_006059.4 (MANE Select); coding-DNA position 1272, G replaced by T.
Protein change: p.Glu424Asp; replaces glutamic acid 424 with aspartic acid.
Molecular consequence: missense variant.
Genome position (GRCh38, 1-based): chr9:131,039,237, G>T. VCF-style: chr9-131039237-G-T. GRCh37 (hg19) VCF-style: chr9-133914624-G-T.
Other names: short protein forms E424D.
Identifiers: ClinVar variation 2097514 (VCV002097514.3), dbSNP rs2490716750, ClinGen allele CA375259962.
Genomic context (GRCh38, chr9:131,039,237, plus strand): 5'-GCCCACGGTGACTGGCTGGAAGTGTGACCGCTGTCTGCCCGGGTTCCACTCGCTCAGTGA[G>T]GGAGGCTGCAGGTGAGGGCGAGGGGCGGCCCAGTATGGACACATTGCACTGAATGACAAG-3'
Protein context (NP_006050.3, residues 414-434): RCLPGFHSLS[Glu424Asp]GGCRPCTCNP

ClinVar aggregate classification (germline): Uncertain significance (1 of 4 stars; one submission).

Allele frequency attached by ClinVar (database versions not stated): gnomAD exomes below 0.00001.
gnomAD v4.1: 4 of 1,605,030 alleles (0.00025%); highest among the groups gnomAD compares: Non-Finnish European, 0.00034%; no homozygotes.

Submission:

Labcorp Genetics (formerly Invitae), Labcorp
Classification: Uncertain significance. Last evaluated: 2022-10-24. Review status: criteria provided, single submitter. Criteria: Invitae Variant Classification Sherloc (09022015). Collection method: clinical testing. Allele origin: germline.
Comment: This sequence change replaces glutamic acid, which is acidic and polar, with aspartic acid, which is acidic and polar, at codon 424 of the LAMC3 protein (p.Glu424Asp). This variant is not present in population databases (gnomAD no frequency). This variant has not been reported in the literature in individuals affected with LAMC3-related conditions. Algorithms developed to predict the effect of missense changes on protein structure and function are either unavailable or do not agree on the potential impact of this missense change (SIFT: "Tolerated"; PolyPhen-2: "Possibly Damaging"; Align-GVGD: "Class C0"). In summary, the available evidence is currently insufficient to determine the role of this variant in disease. Therefore, it has been classified as a Variant of Uncertain Significance.